The following is an entry in ClinVar:

NM_007194.4(CHEK2):c.806A>G (p.Asn269Ser)

Gene: CHEK2 (checkpoint kinase 2; minus strand). Cytogenetic location: 22q12.1.
Variant type: single nucleotide variant.
Coding change: c.806A>G on transcript NM_007194.4 (MANE Select); coding-DNA position 806, A replaced by G.
Protein change: p.Asn269Ser; replaces asparagine 269 with serine.
Molecular consequence: missense variant.
Genome position (GRCh38, 1-based): chr22:28,710,046, T>C on the plus strand (A>G on the coding strand, the complement: CHEK2 is on the minus strand). VCF-style: chr22-28710046-T-C. GRCh37 (hg19) VCF-style: chr22-29106034-T-C.
Other names: c.806A>G, p.Asn269Ser (NM_145862.3); c.935A>G, p.Asn312Ser (NM_001005735.3); c.143A>G, p.Asn48Ser (NM_001257387.3); c.605A>G, p.Asn202Ser (NM_001349956.3); short protein forms N312S, N269S, N202S, N48S.
Identifiers: ClinVar variation 2758285 (VCV002758285.3), dbSNP rs1555920228, ClinGen allele CA411102475.

ClinVar aggregate classification (germline): Uncertain significance (1 of 4 stars; one submission).

Conditions:
Familial cancer of breast. Also called: Hereditary breast cancer; BREAST CANCER, FAMILIAL; hereditary breast carcinoma. Identifiers: Orphanet 227535, MedGen C0346153, MONDO:0016419, OMIM 114480. Disease mechanism: loss of function.

Submission:

Labcorp Genetics (formerly Invitae), Labcorp
Classification: Uncertain significance for Familial cancer of breast. Last evaluated: 2023-06-02. Review status: criteria provided, single submitter. Criteria: Invitae Variant Classification Sherloc (09022015). Collection method: clinical testing. Allele origin: germline.
Comment: In summary, the available evidence is currently insufficient to determine the role of this variant in disease. Therefore, it has been classified as a Variant of Uncertain Significance. Algorithms developed to predict the effect of missense changes on protein structure and function output the following: SIFT: "Not Available"; PolyPhen-2: "Benign"; Align-GVGD: "Not Available". The serine amino acid residue is found in multiple mammalian species, which suggests that this missense change does not adversely affect protein function. This variant has not been reported in the literature in individuals affected with CHEK2-related conditions. This variant is not present in population databases (gnomAD no frequency). This sequence change replaces asparagine, which is neutral and polar, with serine, which is neutral and polar, at codon 269 of the CHEK2 protein (p.Asn269Ser).